The following is an entry in ClinVar:

ClinVar aggregate classification (germline): Uncertain significance (1 of 4 stars; one submission).

Allele frequency attached by ClinVar (database versions not stated): gnomAD exomes below 0.00001; ExAC 0.00002.
gnomAD v4.1: 4 of 1,613,788 alleles (0.00025%); highest among the groups gnomAD compares: Admixed American, 0.005%; no homozygotes.

Submission:

Labcorp Genetics (formerly Invitae), Labcorp
Classification: Uncertain significance. Last evaluated: 2023-10-13. Review status: criteria provided, single submitter. Criteria: Invitae Variant Classification Sherloc (09022015). Collection method: clinical testing. Allele origin: germline.
Comment: This sequence change replaces lysine, which is basic and polar, with glutamic acid, which is acidic and polar, at codon 91 of the COQ7 protein (p.Lys91Glu). This variant is present in population databases (rs753011174, gnomAD 0.009%). This variant has not been reported in the literature in individuals affected with COQ7-related conditions. An algorithm developed to predict the effect of missense changes on protein structure and function (PolyPhen-2) suggests that this variant is likely to be disruptive. In summary, the available evidence is currently insufficient to determine the role of this variant in disease. Therefore, it has been classified as a Variant of Uncertain Significance.

NM_016138.5(COQ7):c.271A>G (p.Lys91Glu)

Gene: COQ7 (coenzyme Q7, hydroxylase; plus strand). Cytogenetic location: 16p12.3.
Variant type: single nucleotide variant.
Coding change: c.271A>G on transcript NM_016138.5 (MANE Select); coding-DNA position 271, A replaced by G.
Protein change: p.Lys91Glu; replaces lysine 91 with glutamic acid.
Molecular consequence: missense variant. On other transcripts: non-coding transcript variant (2).
Genome position (GRCh38, 1-based): chr16:19,073,939, A>G. VCF-style: chr16-19073939-A-G. GRCh37 (hg19) VCF-style: chr16-19085261-A-G.
Other names: c.157A>G, p.Lys53Glu (NM_001190983.2, NM_001370492.1, NM_001370493.1 and 2 more transcripts); c.229A>G, p.Lys77Glu (NM_001370489.1, NM_001370491.1); c.271A>G, p.Lys91Glu (NM_001370490.1); short protein forms K53E, K77E, K91E.
Identifiers: ClinVar variation 3008313 (VCV003008313.1), dbSNP rs753011174, ClinGen allele CA7932959.
Genomic context (GRCh38, chr16:19,073,939, plus strand): 5'-CTATGGAATGCTTGCATGTCTTTATTTTTATGTTTCTTGCAGAAAATGTGGGATCAAGAA[A>G]AGGACCATTTGAAAAAGTTCAATGAGTTGATGGTTACGTTCAGGGTCCGGCCAACAGTTC-3'
Protein context (NP_057222.2, residues 81-101): PVIQKMWDQE[Lys91Glu]DHLKKFNELM